The following is an entry in ClinVar:

ClinVar aggregate classification (germline): Uncertain significance (1 of 4 stars; one submission).

Conditions:
Hereditary sensory and autonomic neuropathy type 6. Also called: Neuropathy, hereditary sensory and autonomic, type VI; HSAN VI. Identifiers: Orphanet 314381, MedGen C3539003, MONDO:0013839, OMIM 614653.
Epidermolysis bullosa simplex 3, localized or generalized intermediate, with BP230 deficiency (EBS3). Also called: Epidermolysis bullosa simplex due to BP230 deficiency; Epidermolysis bullosa simplex, autosomal recessive 2. Identifiers: Orphanet 412181, MedGen C3809470, MONDO:0014180, OMIM 615425.

gnomAD v4.1: 2 of 1,612,686 alleles (0.00012%); highest among the groups gnomAD compares: Non-Finnish European, 0.00017%; no homozygotes.

Submission:

Labcorp Genetics (formerly Invitae), Labcorp
Classification: Uncertain significance for Epidermolysis bullosa simplex 3, localized or generalized intermediate, with BP230 deficiency; Hereditary sensory and autonomic neuropathy type 6. Last evaluated: 2021-12-09. Review status: criteria provided, single submitter. Criteria: Invitae Variant Classification Sherloc (09022015). Collection method: clinical testing. Allele origin: germline.
Comment: This variant is not present in population databases (gnomAD no frequency). In summary, the available evidence is currently insufficient to determine the role of this variant in disease. Therefore, it has been classified as a Variant of Uncertain Significance. Experimental studies and prediction algorithms are not available or were not evaluated, and the functional significance of this variant is currently unknown. This variant has not been reported in the literature in individuals affected with DST-related conditions. This sequence change replaces glutamine, which is neutral and polar, with glutamic acid, which is acidic and polar, at codon 1238 of the DST protein (p.Gln1238Glu). The DST gene has multiple clinically relevant transcripts. This variant occurs in alternate transcript NM_015548.4, and corresponds to NM_001723.5:c.*15335C>G in the primary transcript.

NM_001374736.1(DST):c.11581C>G (p.Gln3861Glu)

Gene: DST (dystonin; minus strand). Cytogenetic location: 6p12.1.
Variant type: single nucleotide variant.
Coding change: c.11581C>G on transcript NM_001374736.1 (MANE Select); coding-DNA position 11581, C replaced by G.
Protein change: p.Gln3861Glu; replaces glutamine 3861 with glutamic acid.
Molecular consequence: missense variant.
Genome position (GRCh38, 1-based): chr6:56,600,182, G>C on the plus strand (C>G on the coding strand, the complement: DST is on the minus strand). VCF-style: chr6-56600182-G-C. GRCh37 (hg19) VCF-style: chr6-56464980-G-C.
Other names: c.5224C>G, p.Gln1742Glu (NM_001144769.5); c.4810C>G, p.Gln1604Glu (NM_001144770.2); c.11581C>G, p.Gln3861Glu (NM_001374722.1); c.10948C>G, p.Gln3650Glu (NM_001374729.1); c.4690C>G, p.Gln1564Glu (NM_001374730.1, NM_001386100.1, NM_183380.4); c.11608C>G, p.Gln3870Glu (NM_001374734.1); c.3712C>G, p.Gln1238Glu (NM_015548.5); short protein forms Q1564E, Q1604E, Q3650E, Q1238E, Q3861E, Q3870E, Q1742E.
Identifiers: ClinVar variation 1505576 (VCV001505576.6), dbSNP rs2152701416, ClinGen allele CA364529686.